The following is an entry in ClinVar:

NM_213653.4(HJV):c.950G>C (p.Cys317Ser)

Gene: HJV (hemojuvelin BMP co-receptor; minus strand). Cytogenetic location: 1q21.1.
Variant type: single nucleotide variant.
Coding change: c.950G>C on transcript NM_213653.4 (MANE Select); coding-DNA position 950, G replaced by C.
Protein change: p.Cys317Ser; replaces cysteine 317 with serine.
Molecular consequence: missense variant.
Genome position (GRCh38, 1-based): chr1:146,018,408, C>G on the plus strand (G>C on the coding strand, the complement: HJV is on the minus strand). VCF-style: chr1-146018408-C-G. GRCh37 (hg19) VCF-style: chr1-145416605-G-C.
Other names: c.272G>C, p.Cys91Ser (NM_001316767.2, NM_202004.4, NM_213652.4); c.950G>C, p.Cys317Ser (NM_001379352.1); c.611G>C, p.Cys204Ser (NM_145277.5); short protein forms C204S, C91S, C317S.
Identifiers: ClinVar variation 3591627 (VCV003591627.2).
Genomic context (GRCh38, chr1:146,018,408, plus strand): 5'-GCTCCCCGACGATTGCGCTCTGATCGAGAGAGTCGCTGACTTGGAGGGCACCCCCCAACA[C>G]AGAGCTGCAGGTCCTGTTCAGCTGAGAAGGCCATGGCCACATCCTCTGCTACCTTGATGG-3'
Protein context (NP_998818.1, residues 307-327): AFSAEQDLQL[Cys317Ser]VGGCPPSQRL

ClinVar aggregate classification (germline): Conflicting classifications of pathogenicity. Review status: criteria provided, conflicting classifications (1 of 4 stars). 2 submissions from 2 submitters: Likely pathogenic (1); Uncertain significance (1). Last evaluated 2025-10-13.

Conditions:
Hemochromatosis type 2A (HFE2A). Also called: Adult-Onset Hemochromatosis; HJV (HFE2)-Related Juvenile Hemochromatosis. Identifiers: Orphanet 79230, MedGen C1865614, MONDO:0011216, OMIM 602390.

gnomAD v4.1: 4 of 1,614,054 alleles (0.00025%); highest among the groups gnomAD compares: Admixed American, 0.0033%; no homozygotes.

Submissions (2):

Labcorp Genetics (formerly Invitae), Labcorp
Classification: Uncertain significance. Last evaluated: 2025-10-13. Review status: criteria provided, single submitter. Criteria: Invitae Variant Classification Sherloc (09022015). Collection method: clinical testing. Allele origin: germline.
Comment: This sequence change replaces cysteine, which is neutral and slightly polar, with serine, which is neutral and polar, at codon 317 of the HJV protein (p.Cys317Ser). This variant is present in population databases (no rsID available, gnomAD 0.006%). This missense change has been observed in individual(s) with hemochromatosis (PMID: 29764732). ClinVar contains an entry for this variant (Variation ID: 3591627). An algorithm developed to predict the effect of missense changes on protein structure and function (PolyPhen-2) suggests that this variant is likely to be disruptive. In summary, the available evidence is currently insufficient to determine the role of this variant in disease. Therefore, it has been classified as a Variant of Uncertain Significance.

Fulgent Genetics
Classification: Likely pathogenic for Hemochromatosis type 2A. Last evaluated: 2024-03-12. Review status: criteria provided, single submitter. Criteria: ACMG Guidelines, 2015. Collection method: clinical testing. Allele origin: germline.

Literature cited by the submitters: PubMed 29764732 (cited by Labcorp Genetics (formerly Invitae), Labcorp).